The following is an entry in ClinVar:

ClinVar aggregate classification (germline): Uncertain significance. Review status: criteria provided, multiple submitters, no conflicts (2 of 4 stars). 2 submissions from 2 submitters: Uncertain significance (2). Last evaluated 2022-03-25.

Conditions:
Inborn genetic diseases. Identifiers: MedGen C0950123, MeSH D030342.
Intellectual developmental disorder, autosomal recessive 68. Also called: MENTAL RETARDATION, AUTOSOMAL RECESSIVE 68. Identifiers: MedGen C4749033, MONDO:0032665, OMIM 618302.

Submissions (2):

Ambry Genetics
Classification: Uncertain significance for Inborn genetic diseases. Last evaluated: 2022-03-25. Review status: criteria provided, single submitter. Criteria: Ambry Variant Classification Scheme 2023. Collection method: clinical testing. Allele origin: germline.
Comment: The c.1202_1204dupCCA (p.P401_I402insT) alteration is located in exon 10 (coding exon 10) of the TRMT1 gene. The alteration consists of an in-frame duplication of 3 nucleotides from position 1202 to 1204, resulting in the duplication of <NA> residues. Based on insufficient or conflicting evidence, the clinical significance of this alteration remains unclear.

Neuberg Centre For Genomic Medicine, NCGM
Classification: Uncertain significance for Intellectual developmental disorder, autosomal recessive 68. Review status: criteria provided, single submitter. Criteria: ACMG Guidelines, 2015. Collection method: clinical testing. Allele origin: germline. Inheritance: Autosomal recessive inheritance. Affected: yes.
Comment: The observed inframe insertion c.1202_1204dup(p.Pro401_Ile402insThr) variant in TRMT1 gene has not been reported previously as a pathogenic variant nor as a benign variant, to our knowledge. The p.Pro401_Ile402insThr variant is absent in gnomAD Exomes database. This variant has been reported to the ClinVar database as Uncertain significance. The insertion of amino acid Thr between amino acids Pro at position 401 and Ile at position 402 changing protein sequence and it might alter its composition and physico-chemical properties. For these reasons, this variant has been classified as Uncertain Significance (VUS).

NM_001136035.4(TRMT1):c.1202_1204dup (p.Pro401_Ile402insThr)

Gene: TRMT1 (tRNA methyltransferase 1; minus strand). Cytogenetic location: 19p13.13.
Variant type: Duplication.
Coding change: c.1202_1204dup on transcript NM_001136035.4 (MANE Select); coding-DNA positions 1202 to 1204, 3 bases duplicated (CCA; older notation c.1202_1204dupCCA).
Protein change: p.Pro401_Ile402insThr.
Molecular consequence: inframe insertion.
Genome position (GRCh38, 1-based): chr19:13,109,657-13,109,659, TGG duplicated on the plus strand (CCA on the coding strand, the reverse complement: TRMT1 is on the minus strand). VCF-style (leftmost placement, unchanged base first): chr19-13109656-A-ATGG. GRCh37 (hg19) VCF-style: chr19-13220470-A-ATGG.
Other names: c.1115_1117dup, p.Pro372_Ile373insThr (NM_001142554.3, NM_001351760.2); c.1094_1096dup, p.Pro365_Ile366insThr (NM_001351761.2); c.419_421dup, p.Pro140_Ile141insThr (NM_001351762.2); c.1202_1204dup, p.Pro401_Ile402insThr (NM_017722.5).
Identifiers: ClinVar variation 2277768 (VCV002277768.3), dbSNP rs2513085841, ClinGen allele CA2580096557.